The following is an entry in ClinVar:

ClinVar aggregate classification (germline): Uncertain significance. Review status: criteria provided, multiple submitters, no conflicts (2 of 4 stars). 2 submissions from 2 submitters: Uncertain significance (2). Last evaluated 2025-12-01.

Allele frequency attached by ClinVar (database versions not stated): gnomAD exomes below 0.00001; gnomAD 0.00001.
gnomAD v4.1: 3 of 1,612,758 alleles (0.00019%); highest among the groups gnomAD compares: Non-Finnish European, 0.00025%; no homozygotes.

Submissions (2):

Labcorp Genetics (formerly Invitae), Labcorp
Classification: Uncertain significance. Last evaluated: 2025-12-01. Review status: criteria provided, single submitter. Criteria: Invitae Variant Classification Sherloc (09022015). Collection method: clinical testing. Allele origin: germline.
Comment: This sequence change replaces methionine, which is neutral and non-polar, with valine, which is neutral and non-polar, at codon 196 of the C1QTNF5 protein (p.Met196Val). This variant is not present in population databases (gnomAD no frequency). This variant has not been reported in the literature in individuals affected with C1QTNF5-related conditions. ClinVar contains an entry for this variant (Variation ID: 866088). An algorithm developed to predict the effect of missense changes on protein structure and function (PolyPhen-2) suggests that this variant is likely to be tolerated. In summary, the available evidence is currently insufficient to determine the role of this variant in disease. Therefore, it has been classified as a Variant of Uncertain Significance.

Blueprint Genetics
Classification: Uncertain significance. Last evaluated: 2018-06-13. Review status: criteria provided, single submitter. Criteria: ACMG Guidelines, 2015. Collection method: clinical testing. Allele origin: germline.

NM_001278431.2(C1QTNF5):c.586A>G (p.Met196Val)

Genes: C1QTNF5 (C1q and TNF related 5; minus strand), MFRP (membrane frizzled-related protein; minus strand). Cytogenetic location: 11q23.3.
Variant type: single nucleotide variant.
Coding change: c.586A>G on transcript NM_001278431.2 (MANE Select); coding-DNA position 586, A replaced by G.
Protein change: p.Met196Val; replaces methionine 196 with valine.
Molecular consequence: missense variant. On other transcripts: 3 prime UTR variant (1).
Genome position (GRCh38, 1-based): chr11:119,339,477, T>C on the plus strand (A>G on the coding strand, the complement: C1QTNF5 is on the minus strand). VCF-style: chr11-119339477-T-C. GRCh37 (hg19) VCF-style: chr11-119210187-T-C.
Other names: c.586A>G, p.Met196Val (NM_015645.5); c.*1482A>G (NM_031433.4); short protein forms M196V.
Identifiers: ClinVar variation 866088 (VCV000866088.3), dbSNP rs1950473419, ClinGen allele CA382968380.